The following is an entry in ClinVar:

NM_003632.3(CNTNAP1):c.2456C>T (p.Ser819Leu)

Gene: CNTNAP1 (contactin associated protein 1; plus strand). Cytogenetic location: 17q21.2.
Variant type: single nucleotide variant.
Coding change: c.2456C>T on transcript NM_003632.3 (MANE Select); coding-DNA position 2456, C replaced by T.
Protein change: p.Ser819Leu; replaces serine 819 with leucine.
Molecular consequence: missense variant.
Genome position (GRCh38, 1-based): chr17:42,691,917, C>T. VCF-style: chr17-42691917-C-T. GRCh37 (hg19) VCF-style: chr17-40843935-C-T.
Other names: p.Ser819Leu; short protein forms S819L.
Identifiers: ClinVar variation 1383598 (VCV001383598.6), dbSNP rs777210503, ClinGen allele CA8582055.

ClinVar aggregate classification (germline): Uncertain significance. Review status: criteria provided, multiple submitters, no conflicts (2 of 4 stars). 2 submissions from 2 submitters: Uncertain significance (2). Last evaluated 2025-05-22.

Allele frequency attached by ClinVar (database versions not stated): gnomAD exomes 0.00010; 1000 Genomes Project 30x 0.00016; ExAC 0.00012; gnomAD 0.00001.
gnomAD v4.1: 46 of 1,614,130 alleles (0.0028%); highest among the groups gnomAD compares: Admixed American, 0.03%; no homozygotes.

Submissions (2):

Mayo Clinic Laboratories, Mayo Clinic
Classification: Uncertain significance. Last evaluated: 2025-05-22. Review status: criteria provided, single submitter. Criteria: ACMG Guidelines, 2015. Collection method: clinical testing. Allele origin: germline. Observed: 1 variant allele.

Labcorp Genetics (formerly Invitae), Labcorp
Classification: Uncertain significance. Last evaluated: 2024-07-22. Review status: criteria provided, single submitter. Criteria: Invitae Variant Classification Sherloc (09022015). Collection method: clinical testing. Allele origin: germline.
Comment: This sequence change replaces serine, which is neutral and polar, with leucine, which is neutral and non-polar, at codon 819 of the CNTNAP1 protein (p.Ser819Leu). This variant is present in population databases (rs777210503, gnomAD 0.04%). This variant has not been reported in the literature in individuals affected with CNTNAP1-related conditions. ClinVar contains an entry for this variant (Variation ID: 1383598). An algorithm developed to predict the effect of missense changes on protein structure and function (PolyPhen-2) suggests that this variant is likely to be disruptive. In summary, the available evidence is currently insufficient to determine the role of this variant in disease. Therefore, it has been classified as a Variant of Uncertain Significance.